The following is an entry in ClinVar:

ClinVar aggregate classification (germline): Uncertain significance (1 of 4 stars; one submission).

Submission:

GeneDx
Classification: Uncertain significance. Last evaluated: 2023-03-16. Review status: criteria provided, single submitter. Criteria: GeneDx Variant Classification Process June 2021. Collection method: clinical testing. Allele origin: germline. Affected: yes.
Comment: Not observed at significant frequency in large population cohorts (gnomAD); In silico analysis supports that this missense variant has a deleterious effect on protein structure/function; Has not been previously published as pathogenic or benign to our knowledge

NM_182961.4(SYNE1):c.9460T>C (p.Trp3154Arg)

Gene: SYNE1 (spectrin repeat containing nuclear envelope protein 1; minus strand). Cytogenetic location: 6q25.2.
Variant type: single nucleotide variant.
Coding change: c.9460T>C on transcript NM_182961.4 (MANE Select); coding-DNA position 9460, T replaced by C.
Protein change: p.Trp3154Arg; replaces tryptophan 3154 with arginine.
Molecular consequence: missense variant.
Genome position (GRCh38, 1-based): chr6:152,373,084, A>G on the plus strand (T>C on the coding strand, the complement: SYNE1 is on the minus strand). VCF-style: chr6-152373084-A-G. GRCh37 (hg19) VCF-style: chr6-152694219-A-G.
Other names: c.9481T>C, p.Trp3161Arg (NM_033071.5); short protein forms W3154R, W3161R.
Identifiers: ClinVar variation 2579905 (VCV002579905.1), dbSNP rs1263842200, ClinGen allele CA366139856.